The following is an entry in ClinVar:

NM_005120.3(MED12):c.131G>T (p.Gly44Val)

Gene: MED12 (mediator complex subunit 12; plus strand). Cytogenetic location: Xq13.1.
Variant type: single nucleotide variant.
Coding change: c.131G>T on transcript NM_005120.3 (MANE Select); coding-DNA position 131, G replaced by T.
Protein change: p.Gly44Val; replaces glycine 44 with valine.
Molecular consequence: missense variant.
Genome position (GRCh38, 1-based): chrX:71,119,404, G>T. VCF-style: chrX-71119404-G-T. GRCh37 (hg19) VCF-style: chrX-70339254-G-T.
Other names: short protein forms G44V.
Identifiers: ClinVar variation 92222 (VCV000092222.2), dbSNP rs199469672, ClinGen allele CA145573.

ClinVar aggregate classification (germline): not provided (0 of 4 stars; one submission).

Conditions:
Uterine leiomyoma (UL). Also called: Uterine corpus leiomyoma. Identifiers: MedGen C0042133, MONDO:0007886, OMIM 150699, HP:0000131.

Submission:

Rajkovic Lab, University of Pittsburgh
No classification provided. Condition: Leiomyoma, uterine. Review status: no classification provided. Collection method: not provided. Allele origin: somatic.
ClinVar note: Converted during submission from Associated with leiomyomas to not provided.